The following is an entry in ClinVar:

NM_000218.3(KCNQ1):c.*875A>G

Genes: KCNQ1-AS1 (KCNQ1 antisense RNA 1; minus strand), KCNQ1 (potassium voltage-gated channel subfamily Q member 1; plus strand). Cytogenetic location: 11p15.4.
Variant type: single nucleotide variant.
Coding change: c.*875A>G on transcript NM_000218.3 (MANE Select); 875 bases downstream of the stop codon, A replaced by G.
Molecular consequence: 3 prime UTR variant.
Genome position (GRCh38, 1-based): chr11:2,848,878, A>G. VCF-style: chr11-2848878-A-G. GRCh37 (hg19) VCF-style: chr11-2870108-A-G.
Other names: c.*875A>G (NM_001406836.1, NM_001406837.1, NM_001406838.1 and 2 more transcripts).
Identifiers: ClinVar variation 304262 (VCV000304262.17), dbSNP rs8234, ClinGen allele CA041073.

ClinVar aggregate classification (germline): Benign. Review status: criteria provided, multiple submitters, no conflicts (2 of 4 stars). 7 submissions from 4 submitters: Benign (7). Last evaluated 2026-01-15.

Conditions:
Long QT syndrome (LQTS). Identifiers: MedGen C0023976, MeSH D008133, MONDO:0002442. Disease mechanism: loss of function. Inheritance: Various modes of inheritance.
Jervell and Lange-Nielsen syndrome 1 (JLNS1). Also called: CARDIOAUDITORY SYNDROME OF JERVELL AND LANGE-NIELSEN; DEAFNESS, CONGENITAL, AND FUNCTIONAL HEART DISEASE; PROLONGED QT INTERVAL IN EKG AND SUDDEN DEATH; SURDO-CARDIAC SYNDROME. Identifiers: Orphanet 768, Orphanet 90647, MedGen C4551509, MONDO:0024540, OMIM 220400.
Short QT syndrome type 2. Identifiers: Orphanet 51083, MedGen C1865019, MONDO:0012313, OMIM 609621.
Long QT syndrome 1 (LQT1). Identifiers: Orphanet 101016, Orphanet 768, MedGen C4551647, MONDO:0100316, OMIM 192500, MONDO:0008646.
Atrial fibrillation, familial, 3 (ATFB3). Identifiers: MedGen C1837014, MONDO:0011857, OMIM 607554.

Allele frequency attached by ClinVar (database versions not stated): gnomAD 0.38150 and 0.39119; gnomAD exomes 0.39517 and 0.44578; TOPMed 0.40210; ExAC 0.44813; 1000 Genomes Project 30x 0.51983; 1000 Genomes Project 0.52177.
gnomAD v4.1: 178,595 of 453,932 alleles (39%); highest among the groups gnomAD compares: East Asian, 87%; 38,610 homozygotes.

Submissions (7):

Labcorp Genetics (formerly Invitae), Labcorp
Classification: Benign for Long QT syndrome. Last evaluated: 2026-01-15. Review status: criteria provided, single submitter. Criteria: Invitae Variant Classification Sherloc (09022015). Collection method: clinical testing. Allele origin: germline.

GeneDx
Classification: Benign. Last evaluated: 2021-05-12. Review status: criteria provided, single submitter. Criteria: GeneDx Variant Classification Process June 2021. Collection method: clinical testing. Allele origin: germline. Affected: yes.
Comment: This variant is associated with the following publications: (PMID: 22199116, 27531917)

Illumina Laboratory Services, Illumina
Classification: Benign for Jervell and Lange-Nielsen syndrome 1. Last evaluated: 2017-04-27. Review status: criteria provided, single submitter. Criteria: ICSL Variant Classification Criteria 13 December 2019. Collection method: clinical testing. Allele origin: germline.
Comment: This variant was observed as part of a predisposition screen in an ostensibly healthy population. A literature search was performed for the gene, cDNA change, and amino acid change (where applicable). No publications were found based on this search. Allele frequency data from public databases was too high to be consistent with this variant causing disease. Therefore, this variant is classified as benign.

Illumina Laboratory Services, Illumina
Classification: Benign for Short QT syndrome type 2. Last evaluated: 2017-04-27. Review status: criteria provided, single submitter. Criteria: ICSL Variant Classification Criteria 13 December 2019. Collection method: clinical testing. Allele origin: germline.
Comment: the same text as in the submission from Illumina Laboratory Services, Illumina above.

Illumina Laboratory Services, Illumina
Classification: Benign for Atrial fibrillation, familial, 3. Last evaluated: 2017-04-27. Review status: criteria provided, single submitter. Criteria: ICSL Variant Classification Criteria 13 December 2019. Collection method: clinical testing. Allele origin: germline.
Comment: the same text as in the submission from Illumina Laboratory Services, Illumina above.

Illumina Laboratory Services, Illumina
Classification: Benign for Long QT syndrome 1. Last evaluated: 2017-04-27. Review status: criteria provided, single submitter. Criteria: ICSL Variant Classification Criteria 13 December 2019. Collection method: clinical testing. Allele origin: germline.
Comment: the same text as in the submission from Illumina Laboratory Services, Illumina above.

Breakthrough Genomics
Classification: Benign. Review status: criteria provided, single submitter. Criteria: ACMG Guidelines, 2015. Collection method: not provided. Allele origin: germline. Inheritance: Autosomal recessive inheritance. Affected: yes.